The following is an entry in ClinVar:

NM_000038.6(APC):c.3999del (p.Lys1333fs)

Gene: APC (APC regulator of Wnt signaling pathway; plus strand). Cytogenetic location: 5q22.2.
Variant type: Deletion.
Coding change: c.3999del on transcript NM_000038.6 (MANE Select); coding-DNA position 3999, one base deleted (A; older notation c.3999delA).
Protein change: p.Lys1333fs; shifts the reading frame from lysine 1333.
Molecular consequence: frameshift variant. On other transcripts: non-coding transcript variant (2).
Genome position (GRCh38, 1-based): chr5:112,839,593, A deleted; the last of 3 consecutive A bases (chr5:112,839,591-112,839,593); deleting any one gives the same sequence. VCF-style (leftmost placement, unchanged base first): chr5-112839590-CA-C. GRCh37 (hg19) VCF-style: chr5-112175287-CA-C.
Other names: c.4029del, p.Lys1343fs (NM_001354897.2); c.3924del, p.Lys1308fs (NM_001354898.2); c.3822del, p.Lys1274fs (NM_001354901.2, NM_001407453.1); c.3876del, p.Lys1292fs (NM_001354900.2); c.3726del, p.Lys1242fs (NM_001354902.2); c.3915del, p.Lys1305fs (NM_001354899.2); c.3999del, p.Lys1333fs (NM_001127510.3, NM_001354895.2, NM_001407450.1); c.3945del, p.Lys1315fs (NM_001127511.3); and 11 more; short protein forms K1050fs, K1173fs, K1204fs, K1207fs, K1232fs, K1242fs, K1250fs, K1274fs.
Identifiers: ClinVar variation 2584174 (VCV002584174.2), dbSNP rs2533540698, ClinGen allele CA2582341546.

ClinVar aggregate classification (germline): Pathogenic (1 of 4 stars; one submission).

Conditions:
Familial adenomatous polyposis 1 (FAP1). Also called: FAMILIAL ADENOMATOUS POLYPOSIS 1, ATTENUATED; POLYPOSIS, ADENOMATOUS INTESTINAL. Identifiers: MedGen C2713442, MONDO:0021056, OMIM 175100. Disease mechanism: loss of function.

Submission:

Myriad Genetics, Inc.
Classification: Pathogenic for Familial adenomatous polyposis 1. Last evaluated: 2023-05-10. Review status: criteria provided, single submitter. Criteria: Myriad Autosomal Dominant, Autosomal Recessive and X-Linked Classification Criteria (2023). Collection method: clinical testing. Allele origin: unknown.
Comment: This variant is considered pathogenic. This variant creates a frameshift predicted to result in premature protein truncation.